The following is an entry in ClinVar:

NM_001379081.2(FREM1):c.2557del (p.Asp853fs)

Gene: FREM1 (FRAS1 related extracellular matrix 1; minus strand). Cytogenetic location: 9p22.3.
Variant type: Deletion.
Coding change: c.2557del on transcript NM_001379081.2 (MANE Select); coding-DNA position 2557, one base deleted (G; older notation c.2557delG).
Protein change: p.Asp853fs; shifts the reading frame from aspartic acid 853.
Molecular consequence: frameshift variant. On other transcripts: non-coding transcript variant (2).
Genome position (GRCh38, 1-based): chr9:14,816,861, C deleted on the plus strand (G on the coding strand, the reverse complement: FREM1 is on the minus strand). VCF-style (leftmost placement, unchanged base first): chr9-14816860-TC-T. GRCh37 (hg19) VCF-style: chr9-14816858-TC-T.
Other names: c.2557del, p.Asp853fs (NM_144966.7); short protein forms D853fs.
Identifiers: ClinVar variation 3687755 (VCV003687755.2).
Genomic context (GRCh38, chr9:14,816,860, plus strand): 5'-GCTGAATTTGTGCCATCGGTGACCTCCAAGAGTAGGTCATCCTGAAGAACTTCAGTTCCA[TC>T]ATGTTGATACCTGTGGGGATAATATTTGTCACCAACCTCTTAGGAACAGTGTGAGAGTAA-3'

ClinVar aggregate classification (germline): Pathogenic (1 of 4 stars; one submission).

Submission:

Labcorp Genetics (formerly Invitae), Labcorp
Classification: Pathogenic. Last evaluated: 2024-11-25. Review status: criteria provided, single submitter. Criteria: Invitae Variant Classification Sherloc (09022015). Collection method: clinical testing. Allele origin: germline.
Comment: This sequence change creates a premature translational stop signal (p.Asp853Metfs*39) in the FREM1 gene. It is expected to result in an absent or disrupted protein product. Loss-of-function variants in FREM1 are known to be pathogenic (PMID: 19732862, 21507892). This variant is not present in population databases (gnomAD no frequency). This variant has not been reported in the literature in individuals affected with FREM1-related conditions. For these reasons, this variant has been classified as Pathogenic.

Literature cited by the submitters: PubMed 19732862; PubMed 21507892.